The following is an entry in ClinVar:

NM_001364171.2(ODAD1):c.2047A>G (p.Arg683Gly)

Gene: ODAD1 (outer dynein arm docking complex subunit 1; minus strand). Cytogenetic location: 19q13.33.
Variant type: single nucleotide variant.
Coding change: c.2047A>G on transcript NM_001364171.2 (MANE Select); coding-DNA position 2047, A replaced by G.
Protein change: p.Arg683Gly; replaces arginine 683 with glycine.
Molecular consequence: missense variant.
Genome position (GRCh38, 1-based): chr19:48,297,053, T>C on the plus strand (A>G on the coding strand, the complement: ODAD1 is on the minus strand). VCF-style: chr19-48297053-T-C. GRCh37 (hg19) VCF-style: chr19-48800310-T-C.
Other names: c.1936A>G (NM_144577.3); c.1936A>G, p.Arg646Gly (NM_144577.4); short protein forms R646G, R683G.
Identifiers: ClinVar variation 1023410 (VCV001023410.10), dbSNP rs754221492, ClinGen allele CA9548490.

ClinVar aggregate classification (germline): Uncertain significance. Review status: criteria provided, multiple submitters, no conflicts (2 of 4 stars). 2 submissions from 2 submitters: Uncertain significance (2). Last evaluated 2025-08-29.

Conditions:
Primary ciliary dyskinesia. Also called: Ciliary dyskinesia. Identifiers: Orphanet 244, MedGen C0008780, MONDO:0016575, HP:0012265.

Allele frequency attached by ClinVar (database versions not stated): gnomAD exomes 0.00001 and 0.00002; ExAC 0.00002; gnomAD 0.00007; TOPMed 0.00011.
gnomAD v4.1: 22 of 1,612,716 alleles (0.0014%); highest among the groups gnomAD compares: African/African-American, 0.025%; no homozygotes.

Submissions (2):

Ambry Genetics
Classification: Uncertain significance for Primary ciliary dyskinesia. Last evaluated: 2025-08-29. Review status: criteria provided, single submitter. Criteria: Ambry Variant Classification Scheme 2023. Collection method: clinical testing. Allele origin: germline.

Labcorp Genetics (formerly Invitae), Labcorp
Classification: Uncertain significance for Primary ciliary dyskinesia. Last evaluated: 2020-05-08. Review status: criteria provided, single submitter. Criteria: Invitae Variant Classification Sherloc (09022015). Collection method: clinical testing. Allele origin: germline.
Comment: This sequence change replaces arginine with glycine at codon 646 of the CCDC114 protein (p.Arg646Gly). The arginine residue is weakly conserved and there is a moderate physicochemical difference between arginine and glycine. This variant has not been reported in the literature in individuals with CCDC114-related conditions. This variant is present in population databases (rs754221492, ExAC 0.03%). In summary, the available evidence is currently insufficient to determine the role of this variant in disease. Therefore, it has been classified as a Variant of Uncertain Significance. Algorithms developed to predict the effect of missense changes on protein structure and function are either unavailable or do not agree on the potential impact of this missense change (SIFT: "Tolerated"; PolyPhen-2: "Possibly Damaging"; Align-GVGD: "Class C0").